The following is an entry in ClinVar:

NM_000271.5(NPC1):c.2593T>C (p.Ser865Pro)

Gene: NPC1 (NPC intracellular cholesterol transporter 1; minus strand). Cytogenetic location: 18q11.2.
Variant type: single nucleotide variant.
Coding change: c.2593T>C on transcript NM_000271.5 (MANE Select); coding-DNA position 2593, T replaced by C.
Protein change: p.Ser865Pro; replaces serine 865 with proline.
Molecular consequence: missense variant.
Genome position (GRCh38, 1-based): chr18:23,540,459, A>G on the plus strand (T>C on the coding strand, the complement: NPC1 is on the minus strand). VCF-style: chr18-23540459-A-G. GRCh37 (hg19) VCF-style: chr18-21120423-A-G.
Other names: short protein forms S865P.
Identifiers: ClinVar variation 2755006 (VCV002755006.4), dbSNP rs977397569, ClinGen allele CA401793091.

ClinVar aggregate classification (germline): Conflicting classifications of pathogenicity. Review status: criteria provided, conflicting classifications (1 of 4 stars). 2 submissions from 2 submitters: Likely pathogenic (1); Uncertain significance (1). Last evaluated 2025-08-01.

Conditions:
Niemann-Pick disease, type C1. Also called: NIEMANN-PICK DISEASE WITH CHOLESTEROL ESTERIFICATION BLOCK; NIEMANN-PICK DISEASE WITHOUT SPHINGOMYELINASE DEFICIENCY; NIEMANN-PICK DISEASE, CHRONIC NEURONOPATHIC FORM; NIEMANN-PICK DISEASE, VARIANT TYPE C1; NEUROVISCERAL STORAGE DISEASE WITH VERTICAL SUPRANUCLEAR OPHTHALMOPLEGIA. Identifiers: Orphanet 646, MedGen C3179455, MONDO:0009757, OMIM 257220.

gnomAD v4.1: 5 of 1,606,162 alleles (0.00031%); highest among the groups gnomAD compares: Non-Finnish European, 0.00043%; no homozygotes.

Submissions (2):

Myriad Genetics, Inc.
Classification: Uncertain significance for Niemann-Pick disease, type C1. Last evaluated: 2025-08-01. Review status: criteria provided, single submitter. Criteria: Myriad Autosomal Dominant, Autosomal Recessive and X-Linked Classification Criteria (2023). Collection method: clinical testing. Allele origin: unknown.
Comment: NM_000271.4(NPC1):c.2593T>C(S865P) is a missense variant classified as a variant of uncertain significance in the context of Niemann-Pick disease type C1. S865P has not been observed in cases with relevant disease. Relevant functional assessments of this variant are not available in the literature. S865P has not been observed in referenced population frequency databases. In summary, there is insufficient evidence to classify NM_000271.4(NPC1):c.2593T>C(S865P) as pathogenic or benign. Please note: this variant was assessed in the context of healthy population screening.

Labcorp Genetics (formerly Invitae), Labcorp
Classification: Likely pathogenic for Niemann-Pick disease, type C1. Last evaluated: 2023-08-24. Review status: criteria provided, single submitter. Criteria: Invitae Variant Classification Sherloc (09022015). Collection method: clinical testing. Allele origin: germline.
Comment: This variant disrupts the p.Ser865 amino acid residue in NPC1. Other variant(s) that disrupt this residue have been determined to be pathogenic (PMID: 16098014, 16126423, 31639011). This suggests that this residue is clinically significant, and that variants that disrupt this residue are likely to be disease-causing. In summary, the currently available evidence indicates that the variant is pathogenic, but additional data are needed to prove that conclusively. Therefore, this variant has been classified as Likely Pathogenic. Advanced modeling of protein sequence and biophysical properties (such as structural, functional, and spatial information, amino acid conservation, physicochemical variation, residue mobility, and thermodynamic stability) performed at Invitae indicates that this missense variant is expected to disrupt NPC1 protein function. This variant has not been reported in the literature in individuals affected with NPC1-related conditions. This variant is not present in population databases (gnomAD no frequency). This sequence change replaces serine, which is neutral and polar, with proline, which is neutral and non-polar, at codon 865 of the NPC1 protein (p.Ser865Pro).

Literature cited by the submitters: PubMed 16098014 (cited by Labcorp Genetics (formerly Invitae), Labcorp); PubMed 16126423 (cited by Labcorp Genetics (formerly Invitae), Labcorp); PubMed 31639011 (cited by Labcorp Genetics (formerly Invitae), Labcorp).